The following is an entry in ClinVar:

NM_001378454.1(ALMS1):c.1732del (p.Arg578fs)

Gene: ALMS1 (ALMS1 centrosome and basal body associated protein; plus strand). Cytogenetic location: 2p13.1.
Variant type: Deletion.
Coding change: c.1732del on transcript NM_001378454.1 (MANE Select); coding-DNA position 1732, one base deleted (A; older notation c.1732delA).
Protein change: p.Arg578fs; shifts the reading frame from arginine 578.
Molecular consequence: frameshift variant.
Genome position (GRCh38, 1-based): chr2:73,448,259, A deleted. VCF-style (leftmost placement, unchanged base first): chr2-73448258-TA-T. GRCh37 (hg19) VCF-style: chr2-73675385-TA-T.
Other names: c.1735delA (NM_015120.4); c.1735del, p.Arg579fs (NM_015120.4); short protein forms R579fs, R578fs.
Identifiers: ClinVar variation 374506 (VCV000374506.66), dbSNP rs777476179, ClinGen allele CA1713220.

ClinVar aggregate classification (germline): Pathogenic/Likely pathogenic. Review status: criteria provided, multiple submitters, no conflicts (2 of 4 stars). 11 submissions from 11 submitters: Pathogenic (4); Likely pathogenic (2). 5 of the submissions do not count toward it. Last evaluated 2025-11-05.

Conditions:
ALMS1-related disorder. Also called: ALMS1-related condition.
Alstrom syndrome (ALMS). Identifiers: Orphanet 64, MedGen C0268425, MONDO:0008763, OMIM 203800.
Stage 5 chronic kidney disease. Also called: End-stage renal disease; end stage renal failure. Identifiers: MedGen C2316810, MONDO:0004375, HP:0003774.
Visual impairment. Also called: Impaired vision; vision problems. Identifiers: MedGen C3665347, HP:0000505.
Leukodystrophy. Identifiers: Orphanet 68356, MedGen C0023520, MONDO:0019046, HP:0002415.
Hearing impairment. Also called: Impaired Hearing. Identifiers: MedGen C1384666, MONDO:0005365, HP:0000365.
Cardiovascular phenotype. Identifiers: MedGen CN230736.

Allele frequency attached by ClinVar (database versions not stated): ExAC 0.00001; gnomAD 0.00001; TOPMed 0.00001; gnomAD exomes 0.00002 and 0.00006.

Submissions (11):

Labcorp Genetics (formerly Invitae), Labcorp
Classification: Pathogenic for Alstrom syndrome. Last evaluated: 2025-11-05. Review status: criteria provided, single submitter. Criteria: Invitae Variant Classification Sherloc (09022015). Collection method: clinical testing. Allele origin: germline.
Comment: This sequence change creates a premature translational stop signal (p.Arg579Glyfs*17) in the ALMS1 gene. It is expected to result in an absent or disrupted protein product. Loss-of-function variants in ALMS1 are known to be pathogenic (PMID: 17594715). This variant is present in population databases (rs777476179, gnomAD 0.004%). This premature translational stop signal has been observed in individual(s) with Alstrom syndrome (PMID: 24462884). ClinVar contains an entry for this variant (Variation ID: 374506). For these reasons, this variant has been classified as Pathogenic.

Natera, Inc.
Classification: Pathogenic for Alstrom syndrome. Last evaluated: 2025-02-05. Review status: criteria provided, single submitter. Criteria: Natera Variant Classification Schema (03/2026). Collection method: clinical testing. Allele origin: germline.
Comment: The c.1735delA variant in ALMS1 is a frameshift variant predicted to shift the reading frame beginning at codon 579 and leads to a stop codon 17 codons downstream. This variant is expected to result in nonsense mediated decay, truncation, or a dysfunctional protein product. This variant is rare in the general population with a frequency below the threshold expected for the associated phenotype(s). This variant has been observed in one or more individuals affected with the associated recessive disease, as either homozygous or compound heterozygous with a second variant (PMID: 32503575, 35764379). Given the available evidence, this variant is classified as Pathogenic.

Fulgent Genetics
Classification: Pathogenic for Alstrom syndrome. Last evaluated: 2022-05-10. Review status: criteria provided, single submitter. Criteria: ACMG Guidelines, 2015. Collection method: clinical testing. Allele origin: unknown.

Ambry Genetics
Classification: Pathogenic for Cardiovascular phenotype. Last evaluated: 2020-04-17. Review status: criteria provided, single submitter. Criteria: Ambry Variant Classification Scheme 2023. Collection method: clinical testing. Allele origin: germline.
Comment: The c.1735delA variant, located in coding exon 8 of the ALMS1 gene, results from a deletion of one nucleotide at nucleotide position 1735, causing a translational frameshift with a predicted alternate stop codon (p.R579Gfs*17). This variant has been reported in association with Alstrom syndrome in individuals with disease features and a second ALMS1 mutation (Paisey RB et al. Eur J Med Genet, 2014 Feb;57:71-5; Paisey RB et al. J. Clin. Endocrinol. Metab., 2015 Aug;100:E1116-24). In addition to the clinical data presented in the literature, this alteration is expected to result in loss of function by premature protein truncation or nonsense-mediated mRNA decay. As such, this alteration is interpreted as a disease-causing mutation.

Blueprint Genetics
Classification: Likely pathogenic for ALMS1-related disorders. Last evaluated: 2019-08-24. Review status: criteria provided, single submitter. Criteria: ACMG Guidelines, 2015. Collection method: clinical testing. Allele origin: germline. Affected: yes. Observed: 1 variant allele.

CeGaT Center for Human Genetics Tuebingen
Classification: Likely pathogenic. Last evaluated: 2016-08-01. Review status: criteria provided, single submitter. Criteria: CeGaT Center For Human Genetics Tuebingen Variant Classification Criteria Version 2. Collection method: clinical testing. Allele origin: germline. Affected: yes. Observed: 1 variant allele.

Counsyl
Classification: Likely pathogenic for Alstrom syndrome. Last evaluated: 2017-07-10. Review status: no assertion criteria provided. Collection method: clinical testing. Allele origin: unknown. Not counted in ClinVar's aggregate classification.

Clinical Genetics DNA and cytogenetics Diagnostics Lab, Erasmus MC, Erasmus Medical Center
Classification: Pathogenic. Review status: no assertion criteria provided. Collection method: clinical testing. Allele origin: germline. Affected: yes. Study: VKGL Data-share Consensus. Not counted in ClinVar's aggregate classification.

Clinical Genetics, Academic Medical Center
Classification: Pathogenic. Review status: no assertion criteria provided. Collection method: clinical testing. Allele origin: germline. Affected: yes. Study: VKGL Data-share Consensus. Not counted in ClinVar's aggregate classification.

Joint Genome Diagnostic Labs from Nijmegen and Maastricht, Radboudumc and MUMC+
Classification: Pathogenic. Review status: no assertion criteria provided. Collection method: clinical testing. Allele origin: germline. Affected: yes. Study: VKGL Data-share Consensus. Not counted in ClinVar's aggregate classification.

NIHR Bioresource Rare Diseases, University of Cambridge
Classification: Likely pathogenic for Hearing impairment; Visual impairment; Leukodystrophy; Stage 5 chronic kidney disease. Review status: no assertion criteria provided. Collection method: research. Allele origin: unknown. Affected: yes. Observed: 1 variant allele. Not counted in ClinVar's aggregate classification.

Literature cited by the submitters: PubMed 17594715 (cited by Labcorp Genetics (formerly Invitae), Labcorp); PubMed 24462884 (cited by Labcorp Genetics (formerly Invitae), Labcorp and Ambry Genetics); PubMed 32503575 (cited by Natera, Inc.); PubMed 35764379 (cited by Natera, Inc.); PubMed 25296579 (cited by Ambry Genetics); PubMed 26066530 (cited by Ambry Genetics); PubMed 26104972 (cited by Ambry Genetics and Counsyl); PubMed 27178444 (cited by Ambry Genetics); PubMed 32581362 (cited by NIHR Bioresource Rare Diseases, University of Cambridge).